The following is an entry in ClinVar:

NM_000136.3(FANCC):c.980A>G (p.Glu327Gly)

Genes: AOPEP (aminopeptidase O (putative); plus strand), FANCC (FA complementation group C; minus strand). Cytogenetic location: 9q22.32.
Variant type: single nucleotide variant.
Coding change: c.980A>G on transcript NM_000136.3 (MANE Select); coding-DNA position 980, A replaced by G.
Protein change: p.Glu327Gly; replaces glutamic acid 327 with glycine.
Molecular consequence: missense variant.
Genome position (GRCh38, 1-based): chr9:95,125,102, T>C on the plus strand (A>G on the coding strand, the complement: FANCC is on the minus strand). VCF-style: chr9-95125102-T-C. GRCh37 (hg19) VCF-style: chr9-97887384-T-C.
Other names: c.980A>G, p.Glu327Gly (NM_001243743.2, NM_001243744.2); short protein forms E327G.
Identifiers: ClinVar variation 1768276 (VCV001768276.3), dbSNP rs2541137065, ClinGen allele CA374108786.

ClinVar aggregate classification (germline): Uncertain significance (1 of 4 stars; one submission).

Conditions:
Hereditary cancer-predisposing syndrome. Also called: Hereditary Cancer Syndrome; Hereditary neoplastic syndrome; Neoplastic Syndromes, Hereditary; Tumor predisposition. Identifiers: Orphanet 140162, MedGen C0027672, MeSH D009386, MONDO:0015356.

Submission:

Ambry Genetics
Classification: Uncertain significance for Hereditary cancer-predisposing syndrome. Last evaluated: 2025-06-21. Review status: criteria provided, single submitter. Criteria: Ambry Variant Classification Scheme 2023. Collection method: clinical testing. Allele origin: germline.
Comment: The p.E327G variant (also known as c.980A>G), located in coding exon 9 of the FANCC gene, results from an A to G substitution at nucleotide position 980. The glutamic acid at codon 327 is replaced by glycine, an amino acid with similar properties. This amino acid position is conserved. In addition, this alteration is predicted to be tolerated by in silico analysis. Since supporting evidence is limited at this time, the clinical significance of this alteration remains unclear.